The following is an entry in ClinVar:

ClinVar aggregate classification (germline): Likely benign. Review status: criteria provided, multiple submitters, no conflicts (2 of 4 stars). 7 submissions from 7 submitters: Likely benign (5). 2 of the submissions do not count toward it. Last evaluated 2026-02-02.

Conditions:
Hereditary spastic paraplegia 49 (HSAN9). Also called: NEUROPATHY, HEREDITARY SENSORY AND AUTONOMIC, TYPE IX, WITH DEVELOPMENTAL DELAY; Spastic paraplegia 49, autosomal recessive; TECPR2-Related Hereditary Sensory and Autonomic Neuropathy with Intellectual Disability. Identifiers: Orphanet 320385, MedGen C5190860, MONDO:0014016, OMIM 615031.
TECPR2-related disorder. Also called: TECPR2-related condition.
Hereditary spastic paraplegia. Also called: Familial spastic paraparesis. Identifiers: Orphanet 685, MedGen C0037773, MONDO:0019064. Disease mechanism: loss of function.

Submissions (7):

Labcorp Genetics (formerly Invitae), Labcorp
Classification: Likely benign for Hereditary spastic paraplegia 49. Last evaluated: 2026-02-02. Review status: criteria provided, single submitter. Criteria: Invitae Variant Classification Sherloc (09022015). Collection method: clinical testing. Allele origin: germline.

CeGaT Center for Human Genetics Tuebingen
Classification: Likely benign. Last evaluated: 2025-08-01. Review status: criteria provided, single submitter. Criteria: CeGaT Center For Human Genetics Tuebingen Variant Classification Criteria Version 2. Collection method: clinical testing. Allele origin: germline. Affected: yes. Observed: 1 variant allele.
Comment: TECPR2: BP3

Blueprint Genetics
Classification: Likely benign. Last evaluated: 2024-10-29. Review status: criteria provided, single submitter. Criteria: ACMG Guidelines, 2015. Collection method: clinical testing. Allele origin: germline.

GeneDx
Classification: Likely benign. Last evaluated: 2021-10-04. Review status: criteria provided, single submitter. Criteria: GeneDx Variant Classification Process June 2021. Collection method: clinical testing. Allele origin: germline. Affected: yes.
Comment: In-frame duplication of 1 amino acid in a repetitive region with no known function; Has not been previously published as pathogenic or benign to our knowledge

Genome Diagnostics Laboratory, The Hospital for Sick Children
Classification: Likely benign for Hereditary spastic paraplegia. Last evaluated: 2019-09-01. Review status: criteria provided, single submitter. Criteria: ACMG Guidelines, 2015. Collection method: clinical testing. Allele origin: germline. Affected: yes.

PreventionGenetics, part of Exact Sciences
Classification: Likely benign for TECPR2-related condition. Last evaluated: 2022-04-21. Review status: no assertion criteria provided. Collection method: clinical testing. Allele origin: germline. Not counted in ClinVar's aggregate classification.
Comment: This variant is classified as likely benign based on ACMG/AMP sequence variant interpretation guidelines (Richards et al. 2015 PMID: 25741868, with internal and published modifications).

Natera, Inc.
Classification: Benign for Autosomal recessive spastic paraplegia type 49. Last evaluated: 2019-09-25. Review status: no assertion criteria provided. Collection method: clinical testing. Allele origin: germline. Not counted in ClinVar's aggregate classification.

NM_014844.5(TECPR2):c.1397AGA[7] (p.Lys471dup)

Gene: TECPR2 (tectonin beta-propeller repeat containing 2; plus strand). Cytogenetic location: 14q32.31.
Variant type: Microsatellite.
Coding change: c.1397AGA[7] on transcript NM_014844.5 (MANE Select); seven copies in a row of the 3-base unit AGA starting at c.1397; the reference has six copies in a row; one copy, 3 bases duplicated; also written c.1412_1414dup.
Protein change: p.Lys471dup; duplicates lysine 471.
Molecular consequence: inframe insertion.
Genome position (GRCh38, 1-based): chr14:102,432,123-102,432,125, AGA duplicated; duplicating any 3 consecutive bases within chr14:102,432,106-102,432,125 gives the same sequence; the position shown is the placement nearest the transcript's 3' end. VCF-style (leftmost placement, unchanged base first): chr14-102432105-G-GGAA. GRCh37 (hg19) VCF-style: chr14-102898442-G-GGAA.
Other names: c.1412_1414dup (NM_014844.3, NM_014844.5); c.1397AGA[7], p.Lys471dup (NM_001172631.3).
Identifiers: ClinVar variation 449828 (VCV000449828.33), dbSNP rs572609303, ClinGen allele CA7357706.